The following is an entry in ClinVar:

ClinVar aggregate classification (germline): Uncertain significance. Review status: criteria provided, multiple submitters, no conflicts (2 of 4 stars). 2 submissions from 2 submitters: Uncertain significance (2). Last evaluated 2025-12-09.

Conditions:
Hereditary cancer-predisposing syndrome. Also called: Neoplastic Syndromes, Hereditary; Hereditary Cancer Syndrome; Hereditary neoplastic syndrome; Tumor predisposition. Identifiers: Orphanet 140162, MedGen C0027672, MeSH D009386, MONDO:0015356.
Oligodontia-cancer predisposition syndrome. Also called: TOOTH AGENESIS-COLORECTAL CANCER SYNDROME. Identifiers: Orphanet 300576, MedGen C1837750, MONDO:0012075, OMIM 608615. Disease mechanism: loss of function.

gnomAD v4.1: 4 of 1,612,954 alleles (0.00025%); highest among the groups gnomAD compares: Non-Finnish European, 0.00034%; no homozygotes.

Submissions (2):

Ambry Genetics
Classification: Uncertain significance for Hereditary cancer-predisposing syndrome. Last evaluated: 2025-12-09. Review status: criteria provided, single submitter. Criteria: Ambry Variant Classification Scheme 2023. Collection method: clinical testing. Allele origin: germline.
Comment: The p.V40L variant (also known as c.118G>T), located in coding exon 1 of the AXIN2 gene, results from a G to T substitution at nucleotide position 118. The valine at codon 40 is replaced by leucine, an amino acid with highly similar properties. This amino acid position is conserved. In addition, this alteration is predicted to be tolerated by in silico analysis. Based on the available evidence, the clinical significance of this variant remains unclear.

Labcorp Genetics (formerly Invitae), Labcorp
Classification: Uncertain significance for Oligodontia-cancer predisposition syndrome. Last evaluated: 2024-09-02. Review status: criteria provided, single submitter. Criteria: Invitae Variant Classification Sherloc (09022015). Collection method: clinical testing. Allele origin: germline.
Comment: This sequence change replaces valine, which is neutral and non-polar, with leucine, which is neutral and non-polar, at codon 40 of the AXIN2 protein (p.Val40Leu). This variant is not present in population databases (gnomAD no frequency). This variant has not been reported in the literature in individuals affected with AXIN2-related conditions. ClinVar contains an entry for this variant (Variation ID: 1057989). Invitae Evidence Modeling of protein sequence and biophysical properties (such as structural, functional, and spatial information, amino acid conservation, physicochemical variation, residue mobility, and thermodynamic stability) indicates that this missense variant is not expected to disrupt AXIN2 protein function with a negative predictive value of 80%. In summary, the available evidence is currently insufficient to determine the role of this variant in disease. Therefore, it has been classified as a Variant of Uncertain Significance.

NM_004655.4(AXIN2):c.118G>T (p.Val40Leu)

Gene: AXIN2 (axin 2; minus strand). Cytogenetic location: 17q24.1.
Variant type: single nucleotide variant.
Coding change: c.118G>T on transcript NM_004655.4 (MANE Select); coding-DNA position 118, G replaced by T.
Protein change: p.Val40Leu; replaces valine 40 with leucine.
Molecular consequence: missense variant.
Genome position (GRCh38, 1-based): chr17:65,558,503, C>A on the plus strand (G>T on the coding strand, the complement: AXIN2 is on the minus strand). VCF-style: chr17-65558503-C-A. GRCh37 (hg19) VCF-style: chr17-63554621-C-A.
Other names: c.118G>T, p.Val40Leu (NM_001363813.1); c.118G>T (NM_004655.3); short protein forms V40L.
Identifiers: ClinVar variation 1057989 (VCV001057989.10), dbSNP rs1555583743, ClinGen allele CA400682133.